The following is an entry in ClinVar:

ClinVar aggregate classification (germline): Pathogenic (1 of 4 stars; one submission).

Submission:

GeneDx
Classification: Pathogenic. Last evaluated: 2017-07-24. Review status: criteria provided, single submitter. Criteria: GeneDx Variant Classification (06012015). Collection method: clinical testing. Allele origin: germline. Affected: yes.
Comment: The c.218delG variant in the SLC16A1 gene has not been reported previously as a pathogenic variant nor as a benign variant, to our knowledge. The c.218delG variant causes a frameshift starting with codon Glycine 73, changes this amino acid to a Valine residue, and creates a premature Stop codon at position 8 of the new reading frame, denoted p.Gly73ValfsX8. This variant is predicted to cause loss of normal protein function either through protein truncation or nonsense-mediated mRNA decay. The c.218delG variant is not observed in large population cohorts (Lek et al., 2016; 1000 Genomes Consortium et al., 2015; Exome Variant Server). We interpret c.218delG as a pathogenic variant.

NM_003051.3(SLC16A1):c.218delG

Gene: SLC16A1 (solute carrier family 16 member 1; minus strand). Cytogenetic location: 1p13.2.
Variant type: Deletion.
Coding change: c.218delG on transcript NM_003051.3; coding-DNA position 218, one base deleted (G).
Genome position (GRCh38, 1-based): chr1:112,922,133, C deleted on the plus strand (G on the coding strand, the reverse complement: SLC16A1 is on the minus strand); the first of 2 consecutive C bases (chr1:112,922,133-112,922,134); deleting either gives the same sequence. VCF-style (leftmost placement, unchanged base first): chr1-112922132-AC-A. GRCh37 (hg19) VCF-style: chr1-113464754-AC-A.
Identifiers: ClinVar variation 450708 (VCV000450708.4), dbSNP rs1553208520, ClinGen allele CA658656952.
Genomic context (GRCh38, chr1:112,922,132, plus strand): 5'-GCCACCAACAATCATGACTATACGACTTCCATATTTATTCACCAGGATACTGCTGATAGG[AC>A]CTAAAAGACAACCAAAAATGTAGTAATATAAAGGAAACTGCTCCCTCACATCTACACAAG-3'